The following is an entry in ClinVar:

ClinVar aggregate classification (germline): Uncertain significance. Review status: criteria provided, multiple submitters, no conflicts (2 of 4 stars). 2 submissions from 2 submitters: Uncertain significance (2). Last evaluated 2024-10-28.

Conditions:
Inborn genetic diseases. Identifiers: MedGen C0950123, MeSH D030342.

Allele frequency attached by ClinVar (database versions not stated): gnomAD exomes 0.00001; TOPMed 0.00002; gnomAD 0.00001; ExAC 0.00002.
gnomAD v4.1: 18 of 1,613,338 alleles (0.0011%); highest among the groups gnomAD compares: African/African-American, 0.0027%; no homozygotes.

Submissions (2):

Ambry Genetics
Classification: Uncertain significance for Inborn genetic diseases. Last evaluated: 2024-10-28. Review status: criteria provided, single submitter. Criteria: Ambry Variant Classification Scheme 2023. Collection method: clinical testing. Allele origin: germline.

Labcorp Genetics (formerly Invitae), Labcorp
Classification: Uncertain significance. Last evaluated: 2021-09-01. Review status: criteria provided, single submitter. Criteria: Invitae Variant Classification Sherloc (09022015). Collection method: clinical testing. Allele origin: germline.
Comment: This sequence change replaces arginine with cysteine at codon 140 of the CDH23 protein (p.Arg140Cys). The arginine residue is highly conserved and there is a large physicochemical difference between arginine and cysteine. This variant is present in population databases (rs747238558, ExAC 0.006%). This variant has not been reported in the literature in individuals affected with CDH23-related conditions. Algorithms developed to predict the effect of missense changes on protein structure and function are either unavailable or do not agree on the potential impact of this missense change (SIFT: "Deleterious"; PolyPhen-2: "Not Available"; Align-GVGD: "Class C0"). In summary, the available evidence is currently insufficient to determine the role of this variant in disease. Therefore, it has been classified as a Variant of Uncertain Significance.

NM_022124.6(CDH23):c.418C>T (p.Arg140Cys)

Genes: CDH23 (cadherin related 23; plus strand), CDH23-AS1 (CDH23 antisense RNA 1; minus strand). Cytogenetic location: 10q22.1.
Variant type: single nucleotide variant.
Coding change: c.418C>T on transcript NM_022124.6 (MANE Select); coding-DNA position 418, C replaced by T.
Protein change: p.Arg140Cys; replaces arginine 140 with cysteine.
Molecular consequence: missense variant.
Genome position (GRCh38, 1-based): chr10:71,511,201, C>T. VCF-style: chr10-71511201-C-T. GRCh37 (hg19) VCF-style: chr10-73270958-C-T.
Other names: c.418C>T, p.Arg140Cys (NM_001171930.2, NM_001171931.2, NM_001171932.2 and 1 more transcripts); c.418C>T (NM_022124.5); short protein forms R140C.
Identifiers: ClinVar variation 1507280 (VCV001507280.6), dbSNP rs747238558, ClinGen allele CA5543409.